The following is an entry in ClinVar:

ClinVar aggregate classification (germline): Likely pathogenic (1 of 4 stars; one submission).

Conditions:
Microcephaly, normal intelligence and immunodeficiency (NBS). Also called: Nijmegen breakage syndrome; Microcephaly with normal intelligence immunodeficiency and lymphoreticular malignancies; Nonsyndromal microcephaly autosomal recessive with normal intelligence; Seemanova syndrome 2; Ataxia telangiectasia variant V1; BERLIN BREAKAGE SYNDROME. Identifiers: Orphanet 647, MedGen C0398791, MONDO:0009623, OMIM 251260.

Allele frequency attached by ClinVar (database versions not stated): ExAC 0.00001.

Submission:

Women's Health and Genetics/Laboratory Corporation of America, LabCorp
Classification: Likely pathogenic for Microcephaly, normal intelligence and immunodeficiency. Last evaluated: 2023-04-17. Review status: criteria provided, single submitter. Criteria: LabCorp Variant Classification Summary - May 2015. Collection method: clinical testing. Allele origin: germline.
Comment: Variant summary: NBN c.803delC (p.Thr268SerfsX8) results in a premature termination codon, predicted to cause a truncation of the encoded protein or absence of the protein due to nonsense mediated decay, which are commonly known mechanisms for disease. Truncations downstream of this position have been classified as pathogenic by our laboratory. The variant allele was found at a frequency of 4e-06 in 251324 control chromosomes. To our knowledge, c.803delC has not been reported in the literature in individuals affected with Nijmegen Breakage Syndrome and no experimental evidence demonstrating an impact on protein function has been reported. No clinical diagnostic laboratories have submitted clinical-significance assessments for this variant to ClinVar after 2014. Based on the evidence outlined above, the variant was classified as likely pathogenic.

Literature cited by the submitters: PubMed 29922827; PubMed 16415040.

NM_002485.5(NBN):c.803del (p.Thr268fs)

Gene: NBN (nibrin; minus strand). Cytogenetic location: 8q21.3.
Variant type: Deletion.
Coding change: c.803del on transcript NM_002485.5 (MANE Select); coding-DNA position 803, one base deleted (C; older notation c.803delC).
Protein change: p.Thr268fs; shifts the reading frame from threonine 268.
Molecular consequence: frameshift variant.
Genome position (GRCh38, 1-based): chr8:89,970,457, G deleted on the plus strand (C on the coding strand, the reverse complement: NBN is on the minus strand). VCF-style (leftmost placement, unchanged base first): chr8-89970456-CG-C. GRCh37 (hg19) VCF-style: chr8-90982684-CG-C.
Other names: c.557del, p.Thr186fs (NM_001024688.3); short protein forms T186fs, T268fs.
Identifiers: ClinVar variation 2503986 (VCV002503986.1), dbSNP rs751497896, ClinGen allele CA4802882.